The following is an entry in ClinVar:

ClinVar aggregate classification (germline): Uncertain significance (1 of 4 stars; one submission).

Conditions:
Microcephaly-intellectual disability-sensorineural hearing loss-epilepsy-abnormal muscle tone syndrome (NEDHSB). Also called: NEURODEVELOPMENTAL DISORDER WITH HEARING LOSS, SEIZURES, AND BRAIN ABNORMALITIES. Identifiers: Orphanet 457351, MedGen C4225276, MONDO:0014698, OMIM 616577.

Allele frequency attached by ClinVar (database versions not stated): gnomAD 0.00001 and 0.00002; TOPMed 0.00004.
gnomAD v4.1: 6 of 1,613,930 alleles (0.00037%); highest among the groups gnomAD compares: Admixed American, 0.0017%; no homozygotes.

Submission:

Labcorp Genetics (formerly Invitae), Labcorp
Classification: Uncertain significance for Microcephaly-intellectual disability-sensorineural hearing loss-epilepsy-abnormal muscle tone syndrome. Last evaluated: 2024-12-09. Review status: criteria provided, single submitter. Criteria: Invitae Variant Classification Sherloc (09022015). Collection method: clinical testing. Allele origin: germline.
Comment: This sequence change replaces leucine, which is neutral and non-polar, with valine, which is neutral and non-polar, at codon 537 of the SPATA5 protein (p.Leu537Val). This variant is not present in population databases (gnomAD no frequency). This variant has not been reported in the literature in individuals affected with SPATA5-related conditions. ClinVar contains an entry for this variant (Variation ID: 1512342). Invitae Evidence Modeling of protein sequence and biophysical properties (such as structural, functional, and spatial information, amino acid conservation, physicochemical variation, residue mobility, and thermodynamic stability) has been performed for this missense variant. However, the output from this modeling did not meet the statistical confidence thresholds required to predict the impact of this variant on SPATA5 protein function. In summary, the available evidence is currently insufficient to determine the role of this variant in disease. Therefore, it has been classified as a Variant of Uncertain Significance.

NM_145207.3(AFG2A):c.1609C>G (p.Leu537Val)

Gene: AFG2A (AFG2 AAA ATPase homolog A; plus strand). Cytogenetic location: 4q28.1.
Variant type: single nucleotide variant.
Coding change: c.1609C>G on transcript NM_145207.3 (MANE Select); coding-DNA position 1609, C replaced by G.
Protein change: p.Leu537Val; replaces leucine 537 with valine.
Molecular consequence: missense variant.
Genome position (GRCh38, 1-based): chr4:122,947,383, C>G. VCF-style: chr4-122947383-C-G. GRCh37 (hg19) VCF-style: chr4-123868538-C-G.
Other names: c.1606C>G, p.Leu536Val (NM_001317799.2, NM_001345856.2); short protein forms L537V, L536V.
Identifiers: ClinVar variation 1512342 (VCV001512342.4), dbSNP rs1213636722, ClinGen allele CA358108343.